The following is an entry in ClinVar:

ClinVar aggregate classification (germline): Uncertain significance (1 of 4 stars; one submission).

Conditions:
Tuberous sclerosis 1 (TSC1). Identifiers: Orphanet 805, MedGen C1854465, MONDO:0008612, OMIM 191100.

Submission:

Labcorp Genetics (formerly Invitae), Labcorp
Classification: Uncertain significance for Tuberous sclerosis 1. Last evaluated: 2022-12-23. Review status: criteria provided, single submitter. Criteria: Invitae Variant Classification Sherloc (09022015). Collection method: clinical testing. Allele origin: germline.
Comment: This sequence change replaces serine, which is neutral and polar, with glycine, which is neutral and non-polar, at codon 511 of the TSC1 protein (p.Ser511Gly). This variant is not present in population databases (gnomAD no frequency). This variant has not been reported in the literature in individuals affected with TSC1-related conditions. Advanced modeling of protein sequence and biophysical properties (such as structural, functional, and spatial information, amino acid conservation, physicochemical variation, residue mobility, and thermodynamic stability) performed at Invitae indicates that this missense variant is not expected to disrupt TSC1 protein function. In summary, the available evidence is currently insufficient to determine the role of this variant in disease. Therefore, it has been classified as a Variant of Uncertain Significance.

NM_000368.5(TSC1):c.1531A>G (p.Ser511Gly)

Gene: TSC1 (TSC complex subunit 1; minus strand). Cytogenetic location: 9q34.13.
Variant type: single nucleotide variant.
Coding change: c.1531A>G on transcript NM_000368.5 (MANE Select); coding-DNA position 1531, A replaced by G.
Protein change: p.Ser511Gly; replaces serine 511 with glycine.
Molecular consequence: missense variant. On other transcripts: non-coding transcript variant (5).
Genome position (GRCh38, 1-based): chr9:132,906,047, T>C on the plus strand (A>G on the coding strand, the complement: TSC1 is on the minus strand). VCF-style: chr9-132906047-T-C. GRCh37 (hg19) VCF-style: chr9-135781434-T-C.
Other names: c.1531A>G, p.Ser511Gly (NM_001406595.1, NM_001406596.1, NM_001406601.1 and 7 more transcripts); c.1528A>G, p.Ser510Gly (NM_001406597.1, NM_001406598.1, NM_001406599.1 and 6 more transcripts); c.1168A>G, p.Ser390Gly (NM_001406614.1, NM_001406615.1, NM_001406616.1 and 5 more transcripts); c.1165A>G, p.Ser389Gly (NM_001406620.1, NM_001406621.1, NM_001406622.1 and 2 more transcripts); c.580A>G, p.Ser194Gly (NM_001406626.1); c.577A>G, p.Ser193Gly (NM_001406627.1, NM_001406628.1); c.478A>G, p.Ser160Gly (NM_001406629.1, NM_001406630.1); c.1378A>G, p.Ser460Gly (NM_001162427.2, NM_001406610.1); and 1 more; short protein forms S160G, S460G, S193G, S194G, S389G, S510G, S390G, S459G.
Identifiers: ClinVar variation 2817254 (VCV002817254.3), dbSNP rs2131844347, ClinGen allele CA375365221.